The following is an entry in ClinVar:

NM_201384.3(PLEC):c.11151C>T (p.Ala3717=)

Gene: PLEC (plectin; minus strand). Cytogenetic location: 8q24.3.
Variant type: single nucleotide variant.
Coding change: c.11151C>T on transcript NM_201384.3 (MANE Select); coding-DNA position 11151, C replaced by T.
Protein change: p.Ala3717=; no amino-acid change (alanine 3717 retained).
Molecular consequence: synonymous variant.
Genome position (GRCh38, 1-based): chr8:143,918,670, G>A on the plus strand (C>T on the coding strand, the complement: PLEC is on the minus strand). VCF-style: chr8-143918670-G-A. GRCh37 (hg19) VCF-style: chr8-144992838-G-A.
Other names: c.11232C>T, p.Ala3744= (NM_000445.5); c.11109C>T, p.Ala3703= (NM_201378.4); c.11085C>T, p.Ala3695= (NM_201379.3); c.11562C>T, p.Ala3854= (NM_201380.4); c.11055C>T, p.Ala3685= (NM_201381.3); c.11151C>T, p.Ala3717= (NM_201382.4); c.11163C>T, p.Ala3721= (NM_201383.3).
Identifiers: ClinVar variation 682194 (VCV000682194.10), dbSNP rs781815870, ClinGen allele CA4924423.

ClinVar aggregate classification (germline): Likely benign. Review status: criteria provided, multiple submitters, no conflicts (2 of 4 stars). 2 submissions from 2 submitters: Likely benign (2). Last evaluated 2025-09-25.

Conditions:
Epidermolysis bullosa simplex, Ogna type (EBS5A). Also called: Pidermolysis bullosa simplex 5A, Ogna type; EPIDERMOLYSIS BULLOSA SIMPLEX 5A, OGNA TYPE. Identifiers: Orphanet 79401, MedGen C0432317, MONDO:0007555, OMIM 131950.
Epidermolysis bullosa simplex 5C, with pyloric atresia (EBS5C). Also called: PLEC1-Related Epidermolysis Bullosa with Pyloric Atresia; PLEC-Related Epidermolysis Bullosa with Pyloric Atresia; Epidermolysis bullosa simplex with pyloric atresia. Identifiers: Orphanet 158684, MedGen C2677349, MONDO:0012807, OMIM 612138.
Epidermolysis bullosa simplex 5B, with muscular dystrophy (EBS5B). Also called: Epidermolysis bullosa simplex with muscular dystrophy; EPIDERMOLYSIS BULLOSA SIMPLEX AND LIMB-GIRDLE MUSCULAR DYSTROPHY. Identifiers: Orphanet 257, MedGen C2931072, MONDO:0009181, OMIM 226670.
Autosomal recessive limb-girdle muscular dystrophy type 2Q (LGMDR17). Also called: MUSCULAR DYSTROPHY, LIMB-GIRDLE, AUTOSOMAL RECESSIVE 17. Identifiers: Orphanet 254361, MedGen C3150989, MONDO:0013390, OMIM 613723.
Epidermolysis bullosa simplex with nail dystrophy (EBS5D). Identifiers: MedGen C4225309, MONDO:0014661, OMIM 616487.

Allele frequency attached by ClinVar (database versions not stated): ExAC 0.00003; gnomAD exomes 0.00004; gnomAD 0.00005 and 0.00006; TOPMed 0.00005.
gnomAD v4.1: 51 of 1,612,696 alleles (0.0032%); highest among the groups gnomAD compares: East Asian, 0.029%; no homozygotes.

Submissions (2):

Labcorp Genetics (formerly Invitae), Labcorp
Classification: Likely benign for Autosomal recessive limb-girdle muscular dystrophy type 2Q; Epidermolysis bullosa simplex, Ogna type; Epidermolysis bullosa simplex with nail dystrophy; Epidermolysis bullosa simplex 5C, with pyloric atresia; Epidermolysis bullosa simplex 5B, with muscular dystrophy. Last evaluated: 2025-09-25. Review status: criteria provided, single submitter. Criteria: Invitae Variant Classification Sherloc (09022015). Collection method: clinical testing. Allele origin: germline.

GeneDx
Classification: Likely benign. Last evaluated: 2018-04-16. Review status: criteria provided, single submitter. Criteria: GeneDx Variant Classification (06012015). Collection method: clinical testing. Allele origin: germline. Affected: yes.
Comment: This variant is considered likely benign or benign based on one or more of the following criteria: it is a conservative change, it occurs at a poorly conserved position in the protein, it is predicted to be benign by multiple in silico algorithms, and/or has population frequency not consistent with disease.